The following is an entry in ClinVar:

ClinVar aggregate classification (germline): Uncertain significance (1 of 4 stars; one submission).

Submission:

Labcorp Genetics (formerly Invitae), Labcorp
Classification: Uncertain significance. Last evaluated: 2022-10-23. Review status: criteria provided, single submitter. Criteria: Invitae Variant Classification Sherloc (09022015). Collection method: clinical testing. Allele origin: germline.
Comment: In summary, the available evidence is currently insufficient to determine the role of this variant in disease. Therefore, it has been classified as a Variant of Uncertain Significance. This variant has not been reported in the literature in individuals affected with NACC1-related conditions. This variant is not present in population databases (gnomAD no frequency). This sequence change creates a premature translational stop signal (p.Gln350*) in the NACC1 gene. It is expected to result in an absent or disrupted protein product. However, the current clinical and genetic evidence is not sufficient to establish whether loss-of-function variants in NACC1 cause disease.

NM_052876.4(NACC1):c.1048C>T (p.Gln350Ter)

Gene: NACC1 (nucleus accumbens associated 1; plus strand). Cytogenetic location: 19p13.13.
Variant type: single nucleotide variant.
Coding change: c.1048C>T on transcript NM_052876.4 (MANE Select); coding-DNA position 1048, C replaced by T.
Protein change: p.Gln350Ter; replaces glutamine 350 with a stop codon.
Molecular consequence: nonsense.
Genome position (GRCh38, 1-based): chr19:13,136,333, C>T. VCF-style: chr19-13136333-C-T. GRCh37 (hg19) VCF-style: chr19-13247147-C-T.
Other names: short protein forms Q350*.
Identifiers: ClinVar variation 2036665 (VCV002036665.4), dbSNP rs2019706736, ClinGen allele CA404327450.